The following is an entry in ClinVar:

NM_001267727.2(ARSG):c.793G>A (p.Gly265Ser)

Gene: ARSG (arylsulfatase G; plus strand). Cytogenetic location: 17q24.2.
Variant type: single nucleotide variant.
Coding change: c.793G>A on transcript NM_001267727.2 (MANE Select); coding-DNA position 793, G replaced by A.
Protein change: p.Gly265Ser; replaces glycine 265 with serine.
Molecular consequence: missense variant.
Genome position (GRCh38, 1-based): chr17:68,368,636, G>A. VCF-style: chr17-68368636-G-A. GRCh37 (hg19) VCF-style: chr17-66364777-G-A.
Other names: c.793G>A, p.Gly265Ser (NM_001352899.2, NM_001352900.2, NM_001352901.2 and 3 more transcripts); c.790G>A, p.Gly264Ser (NM_001352903.2, NM_001352904.2, NM_001352905.2 and 2 more transcripts); c.745G>A, p.Gly249Ser (NM_001352909.2); c.793G>A (NM_014960.3); short protein forms G249S, G265S, G264S.
Identifiers: ClinVar variation 943586 (VCV000943586.8), dbSNP rs766938333, ClinGen allele CA8728366.

ClinVar aggregate classification (germline): Uncertain significance. Review status: criteria provided, multiple submitters, no conflicts (2 of 4 stars). 3 submissions from 3 submitters: Uncertain significance (3). Last evaluated 2024-06-21.

Allele frequency attached by ClinVar (database versions not stated): ExAC 0.00001; gnomAD 0.00001; gnomAD exomes 0.00001; TOPMed 0.00001.
gnomAD v4.1: 19 of 1,614,112 alleles (0.0012%); highest among the groups gnomAD compares: Middle Eastern, 0.12%; no homozygotes.

Submissions (3):

Blueprint Genetics
Classification: Uncertain significance. Last evaluated: 2024-06-21. Review status: criteria provided, single submitter. Criteria: ACMG Guidelines, 2015. Collection method: clinical testing. Allele origin: germline.

Ambry Genetics
Classification: Uncertain significance. Last evaluated: 2023-12-18. Review status: criteria provided, single submitter. Criteria: Ambry Variant Classification Scheme 2023. Collection method: clinical testing. Allele origin: germline.

Labcorp Genetics (formerly Invitae), Labcorp
Classification: Uncertain significance. Last evaluated: 2022-05-20. Review status: criteria provided, single submitter. Criteria: Invitae Variant Classification Sherloc (09022015). Collection method: clinical testing. Allele origin: germline.
Comment: This sequence change replaces glycine, which is neutral and non-polar, with serine, which is neutral and polar, at codon 265 of the ARSG protein (p.Gly265Ser). This variant is present in population databases (rs766938333, gnomAD 0.002%). This variant has not been reported in the literature in individuals affected with ARSG-related conditions. ClinVar contains an entry for this variant (Variation ID: 943586). Algorithms developed to predict the effect of missense changes on protein structure and function output the following: SIFT: "Tolerated"; PolyPhen-2: "Benign"; Align-GVGD: "Class C0". The serine amino acid residue is found in multiple mammalian species, which suggests that this missense change does not adversely affect protein function. In summary, the available evidence is currently insufficient to determine the role of this variant in disease. Therefore, it has been classified as a Variant of Uncertain Significance.